The following is an entry in ClinVar:

NM_000217.3(KCNA1):c.30C>A (p.Asp10Glu)

Genes: KCNA1 (potassium voltage-gated channel subfamily A member 1; plus strand), LOC130007218 (ATAC-STARR-seq lymphoblastoid silent region 4155; plus strand). Cytogenetic location: 12p13.32.
Variant type: single nucleotide variant.
Coding change: c.30C>A on transcript NM_000217.3 (MANE Select); coding-DNA position 30, C replaced by A.
Protein change: p.Asp10Glu; replaces aspartic acid 10 with glutamic acid.
Molecular consequence: missense variant.
Genome position (GRCh38, 1-based): chr12:4,911,408, C>A. VCF-style: chr12-4911408-C-A. GRCh37 (hg19) VCF-style: chr12-5020574-C-A.
Other names: short protein forms D10E.
Identifiers: ClinVar variation 2498542 (VCV002498542.29), dbSNP rs1471834737, ClinGen allele CA383453645.

ClinVar aggregate classification (germline): Uncertain significance. Review status: criteria provided, multiple submitters, no conflicts (2 of 4 stars). 2 submissions from 2 submitters: Uncertain significance (2). Last evaluated 2025-03-18.

Conditions:
Episodic ataxia type 1 (EA1). Also called: ATAXIA, EPISODIC, WITH MYOKYMIA; MYOKYMIA WITH PERIODIC ATAXIA; PAROXYSMAL ATAXIA WITH NEUROMYOTONIA, HEREDITARY; Episodic ataxia/myokymia syndrome. Identifiers: Orphanet 37612, Orphanet 972, MedGen C1719788, MONDO:0008047, OMIM 160120.

gnomAD v4.1: 3 of 1,613,002 alleles (0.00019%); highest among the groups gnomAD compares: Middle Eastern, 0.017%; no homozygotes.

Submissions (2):

Labcorp Genetics (formerly Invitae), Labcorp
Classification: Uncertain significance for Episodic ataxia type 1. Last evaluated: 2025-03-18. Review status: criteria provided, single submitter. Criteria: Invitae Variant Classification Sherloc (09022015). Collection method: clinical testing. Allele origin: germline.
Comment: This sequence change replaces aspartic acid, which is acidic and polar, with glutamic acid, which is acidic and polar, at codon 10 of the KCNA1 protein (p.Asp10Glu). This variant is not present in population databases (gnomAD no frequency). This variant has not been reported in the literature in individuals affected with KCNA1-related conditions. ClinVar contains an entry for this variant (Variation ID: 2498542). Invitae Evidence Modeling of protein sequence and biophysical properties (such as structural, functional, and spatial information, amino acid conservation, physicochemical variation, residue mobility, and thermodynamic stability) indicates that this missense variant is not expected to disrupt KCNA1 protein function with a negative predictive value of 95%. In summary, the available evidence is currently insufficient to determine the role of this variant in disease. Therefore, it has been classified as a Variant of Uncertain Significance.

CeGaT Center for Human Genetics Tuebingen
Classification: Uncertain significance. Last evaluated: 2023-01-01. Review status: criteria provided, single submitter. Criteria: CeGaT Center For Human Genetics Tuebingen Variant Classification Criteria Version 2. Collection method: clinical testing. Allele origin: germline. Affected: yes. Observed: 1 variant allele.
Comment: KCNA1: PM2, PP2